The following is an entry in ClinVar:

NM_003052.5(SLC34A1):c.130A>G (p.Thr44Ala)

Gene: SLC34A1 (solute carrier family 34 member 1; plus strand). Cytogenetic location: 5q35.3.
Variant type: single nucleotide variant.
Coding change: c.130A>G on transcript NM_003052.5 (MANE Select); coding-DNA position 130, A replaced by G.
Protein change: p.Thr44Ala; replaces threonine 44 with alanine.
Molecular consequence: missense variant.
Genome position (GRCh38, 1-based): chr5:177,386,007, A>G. VCF-style: chr5-177386007-A-G. GRCh37 (hg19) VCF-style: chr5-176813008-A-G.
Other names: c.130A>G, p.Thr44Ala (NM_001167579.2); short protein forms T44A.
Identifiers: ClinVar variation 4280068 (VCV004280068.1).
Genomic context (GRCh38, chr5:177,386,007, plus strand): 5'-CTTTGGGGCCCTGGGGCTCCTGACCAGGCTCCCTCCCTAGTCCTACACAGGATCCCGGGG[A>G]CCTCTGCCTATGCCTTCCCCAGCCTGGGCCCTGTGGCCCTTGCTGAGCACACCTGCCCCT-3'
Protein context (NP_003043.3, residues 34-54): SPQVLHRIPG[Thr44Ala]SAYAFPSLGP

ClinVar aggregate classification (germline): Uncertain significance (1 of 4 stars; one submission).

Conditions:
Bronchiectasis with or without elevated sweat chloride 2 (BESC2). Identifiers: Orphanet 60033, MedGen C2751666, MONDO:0013087, OMIM 613021.

Submission:

Johns Hopkins Genomics, Johns Hopkins University
Classification: Uncertain significance for Bronchiectasis with or without elevated sweat chloride 2. Last evaluated: 2025-02-03. Review status: criteria provided, single submitter. Criteria: ACMG Guidelines, 2015. Collection method: clinical testing. Allele origin: germline.
Comment: This SLC43A1 variant (rs201459634) is rare (<0.1%) in a large population dataset (gnomAD: 4/1610162 total alleles; 0.00025%; no homozygotes) and has not been reported in ClinVar nor the literature, to our knowledge. Three bioinformatic tools queried predict that this substitution would be tolerated, but these algorithms have low specificity, especially for predicting gain of function or dominant negative variants. The threonine residue at this position is evolutionarily conserved across many of the species assessed, although alanine is present at this position in birds. We consider the clinical significance of SLC43A1 c.130A>G to be uncertain at this time.

Literature cited by the submitters: PubMed 24352629.